The following is an entry in ClinVar:

NM_012200.4(B3GAT3):c.231_234del (p.Ile77fs)

Gene: B3GAT3 (beta-1,3-glucuronyltransferase 3; minus strand). Cytogenetic location: 11q12.3.
Variant type: Microsatellite.
Coding change: c.231_234del on transcript NM_012200.4 (MANE Select); coding-DNA positions 231 to 234, 4 bases deleted (CTAT; older notation c.231_234delCTAT).
Protein change: p.Ile77fs; shifts the reading frame from isoleucine 77.
Molecular consequence: frameshift variant. On other transcripts: non-coding transcript variant (1).
Genome position (GRCh38, 1-based): chr11:62,620,520-62,620,523, ATAG deleted on the plus strand (CTAT on the coding strand, the reverse complement: B3GAT3 is on the minus strand); deleting any 4 consecutive bases within chr11:62,620,520-62,620,527 gives the same sequence; the c. name uses the placement nearest the transcript's 3' end. VCF-style (leftmost placement, unchanged base first): chr11-62620519-CATAG-C. GRCh37 (hg19) VCF-style: chr11-62387991-CATAG-C.
Other names: c.210_213del, p.Ile70fs (NM_001288721.2); c.231_234del, p.Ile77fs (NM_001288722.2, NM_001288723.2); short protein forms I70fs, I77fs.
Identifiers: ClinVar variation 3681718 (VCV003681718.3).

ClinVar aggregate classification (germline): Pathogenic/Likely pathogenic. Review status: criteria provided, multiple submitters, no conflicts (2 of 4 stars). 2 submissions from 2 submitters: Pathogenic (1); Likely pathogenic (1). Last evaluated 2026-08-06.

Conditions:
Larsen-like syndrome, B3GAT3 type. Also called: Multiple joint dislocations, short stature, craniofacial dysmorphism, with or without congenital heart defects; MULTIPLE JOINT DISLOCATIONS, SHORT STATURE, AND CRANIOFACIAL DYSMORPHISM WITH OR WITHOUT CONGENITAL HEART DEFECTS. Identifiers: Orphanet 284139, MedGen CN034159, MONDO:0009511, OMIM 245600.

Submissions (2):

OLLIN Analises Genomicas, OLLIN
Classification: Likely pathogenic for Larsen-like syndrome, B3GAT3 type. Last evaluated: 2026-08-06. Review status: criteria provided, single submitter. Criteria: ACMG Guidelines 2015 PMID 25741868. Collection method: clinical testing. Allele origin: germline. Inheritance: Autosomal recessive inheritance.
Comment: This frameshift variant, located in exon 2 (of 5), has been reported in ClinVar (accession VCV003681718.2) and in gnomAD with an allele frequency of 0.00012%. However, to our knowledge, it has not been reported in the scientific literature. This variant causes a frameshift and introduces a premature stop codon, which is predicted to result in either a truncated protein or degradation of the mRNA via nonsense-mediated decay (NMD). According to the currently available evidence, this variant has been classified as likely pathogenic (PVS1, PM2_P).

Labcorp Genetics (formerly Invitae), Labcorp
Classification: Pathogenic for Larsen-like syndrome, B3GAT3 type. Last evaluated: 2024-10-19. Review status: criteria provided, single submitter. Criteria: Invitae Variant Classification Sherloc (09022015). Collection method: clinical testing. Allele origin: germline.
Comment: This sequence change creates a premature translational stop signal (p.Ile77Metfs*23) in the B3GAT3 gene. It is expected to result in an absent or disrupted protein product. Loss-of-function variants in B3GAT3 are known to be pathogenic (PMID: 25893793, 27871226). This variant is not present in population databases (gnomAD no frequency). This variant has not been reported in the literature in individuals affected with B3GAT3-related conditions. For these reasons, this variant has been classified as Pathogenic.

Literature cited by the submitters: PubMed 25893793 (cited by Labcorp Genetics (formerly Invitae), Labcorp); PubMed 27871226 (cited by Labcorp Genetics (formerly Invitae), Labcorp).